The following is an entry in ClinVar:

NM_004006.3(DMD):c.1329C>T (p.Ser443=)

Gene: DMD (dystrophin; minus strand). Cytogenetic location: Xp21.1.
Variant type: single nucleotide variant.
Coding change: c.1329C>T on transcript NM_004006.3 (MANE Select); coding-DNA position 1329, C replaced by T.
Protein change: p.Ser443=; no amino-acid change (serine 443 retained).
Molecular consequence: synonymous variant.
Genome position (GRCh38, 1-based): chrX:32,644,134, G>A on the plus strand (C>T on the coding strand, the complement: DMD is on the minus strand). VCF-style: chrX-32644134-G-A. GRCh37 (hg19) VCF-style: chrX-32662251-G-A.
Other names: c.1305C>T, p.Ser435= (NM_000109.4); c.1317C>T, p.Ser439= (NM_004009.3); c.960C>T, p.Ser320= (NM_004010.3).
Identifiers: ClinVar variation 409901 (VCV000409901.54), dbSNP rs1060502631, ClinGen allele CA16616679.

ClinVar aggregate classification (germline): Conflicting classifications of pathogenicity. Review status: criteria provided, conflicting classifications (1 of 4 stars). 3 submissions from 3 submitters: Pathogenic (2); Uncertain significance (1). Last evaluated 2023-08-24.

Conditions:
Duchenne muscular dystrophy (DMD). Also called: Duchenne Muscular Dystrophy (DMD); MUSCULAR DYSTROPHY, PSEUDOHYPERTROPHIC PROGRESSIVE, DUCHENNE TYPE. Identifiers: Orphanet 98896, MedGen C0013264, MONDO:0010679, OMIM 310200.

Submissions (3):

Labcorp Genetics (formerly Invitae), Labcorp
Classification: Pathogenic for Duchenne muscular dystrophy. Last evaluated: 2023-08-24. Review status: criteria provided, single submitter. Criteria: Invitae Variant Classification Sherloc (09022015). Collection method: clinical testing. Allele origin: germline.
Comment: This variant is not present in population databases (gnomAD no frequency). For these reasons, this variant has been classified as Pathogenic. Studies have shown that this variant is associated with altered splicing resulting in skipping of exon 11 (PMID: 32317190). ClinVar contains an entry for this variant (Variation ID: 409901). This variant has been observed in individual(s) with Becker muscular dystrophy and/or Duchenne muscular dystrophy (PMID: 32317190, 32559196). In at least one individual the variant was observed to be de novo. This sequence change affects codon 443 of the DMD mRNA. It is a 'silent' change, meaning that it does not change the encoded amino acid sequence of the DMD protein.

Mendelics
Classification: Pathogenic for Duchenne muscular dystrophy. Last evaluated: 2019-05-28. Review status: criteria provided, single submitter. Criteria: Mendelics Assertion Criteria 2017. Collection method: clinical testing. Allele origin: unknown.

CeGaT Center for Human Genetics Tuebingen
Classification: Uncertain significance. Last evaluated: 2016-12-01. Review status: criteria provided, single submitter. Criteria: CeGaT Center For Human Genetics Tuebingen Variant Classification Criteria Version 2. Collection method: clinical testing. Allele origin: germline. Affected: yes. Observed: 1 variant allele.

Literature cited by the submitters: PubMed 32317190 (cited by Labcorp Genetics (formerly Invitae), Labcorp); PubMed 32559196 (cited by Labcorp Genetics (formerly Invitae), Labcorp).